The following is an entry in ClinVar:

NM_001655.5(ARCN1):c.553G>A (p.Gly185Arg)

Gene: ARCN1 (archain 1 coat protein complex I subunit delta; plus strand). Cytogenetic location: 11q23.3.
Variant type: single nucleotide variant.
Coding change: c.553G>A on transcript NM_001655.5 (MANE Select); coding-DNA position 553, G replaced by A.
Protein change: p.Gly185Arg; replaces glycine 185 with arginine.
Molecular consequence: missense variant.
Genome position (GRCh38, 1-based): chr11:118,583,914, G>A. VCF-style: chr11-118583914-G-A. GRCh37 (hg19) VCF-style: chr11-118454629-G-A.
Other names: c.289G>A, p.Gly97Arg (NM_001142281.2); short protein forms G185R, G97R.
Identifiers: ClinVar variation 1422623 (VCV001422623.8), dbSNP rs782373336, ClinGen allele CA6306090.

ClinVar aggregate classification (germline): Uncertain significance (1 of 4 stars; one submission).

Allele frequency attached by ClinVar (database versions not stated): gnomAD exomes below 0.00001; ExAC 0.00001; gnomAD 0.00001; TOPMed 0.00002.
gnomAD v4.1: 7 of 1,614,144 alleles (0.00043%); highest among the groups gnomAD compares: East Asian, 0.0022%; no homozygotes.

Submission:

Labcorp Genetics (formerly Invitae), Labcorp
Classification: Uncertain significance. Last evaluated: 2022-08-22. Review status: criteria provided, single submitter. Criteria: Invitae Variant Classification Sherloc (09022015). Collection method: clinical testing. Allele origin: germline.
Comment: In summary, the available evidence is currently insufficient to determine the role of this variant in disease. Therefore, it has been classified as a Variant of Uncertain Significance. Algorithms developed to predict the effect of missense changes on protein structure and function are either unavailable or do not agree on the potential impact of this missense change (SIFT: "Deleterious"; PolyPhen-2: "Probably Damaging"; Align-GVGD: "Class C0"). ClinVar contains an entry for this variant (Variation ID: 1422623). This variant has not been reported in the literature in individuals affected with ARCN1-related conditions. This variant is present in population databases (rs782373336, gnomAD 0.0009%). This sequence change replaces glycine, which is neutral and non-polar, with arginine, which is basic and polar, at codon 185 of the ARCN1 protein (p.Gly185Arg).